The following is an entry in ClinVar:

NM_181882.3(PRX):c.4268G>A (p.Ser1423Asn)

Gene: PRX (periaxin; minus strand). Cytogenetic location: 19q13.2.
Variant type: single nucleotide variant.
Coding change: c.4268G>A on transcript NM_181882.3 (MANE Select); coding-DNA position 4268, G replaced by A.
Protein change: p.Ser1423Asn; replaces serine 1423 with asparagine.
Molecular consequence: missense variant. On other transcripts: 3 prime UTR variant (1).
Genome position (GRCh38, 1-based): chr19:40,394,084, C>T on the plus strand (G>A on the coding strand, the complement: PRX is on the minus strand). VCF-style: chr19-40394084-C-T. GRCh37 (hg19) VCF-style: chr19-40899991-C-T.
Other names: c.*4473G>A (NM_020956.2); short protein forms S1423N.
Identifiers: ClinVar variation 1057401 (VCV001057401.9), dbSNP rs2145724650, ClinGen allele CA405889946.
Genomic context (GRCh38, chr19:40,394,084, plus strand): 5'-GAAAACCCCACGCTGGGCAGCCGCACCCGCAATCCACCCTCTTCCTGGTCCCCACTCCCA[C>T]TCCGGGCCTTGGGGCTTAGGGACACCCTGGGGAAGCGGAACTTGGGTGACTTCTCTCTGA-3'
Protein context (NP_870998.2, residues 1413-1433): PRVSLSPKAR[Ser1423Asn]GSGDQEEGGL

ClinVar aggregate classification (germline): Uncertain significance (1 of 4 stars; one submission).

Conditions:
Charcot-Marie-Tooth disease type 4. Also called: Charcot-Marie-Tooth disease, type IV; Charcot-Marie-Tooth, Type 4. Identifiers: Orphanet 64749, MedGen C4082197, MONDO:0018995.

Submission:

Labcorp Genetics (formerly Invitae), Labcorp
Classification: Uncertain significance for Charcot-Marie-Tooth disease type 4. Last evaluated: 2022-09-08. Review status: criteria provided, single submitter. Criteria: Invitae Variant Classification Sherloc (09022015). Collection method: clinical testing. Allele origin: germline.
Comment: In summary, the available evidence is currently insufficient to determine the role of this variant in disease. Therefore, it has been classified as a Variant of Uncertain Significance. Algorithms developed to predict the effect of missense changes on protein structure and function (SIFT, PolyPhen-2, Align-GVGD) all suggest that this variant is likely to be tolerated. ClinVar contains an entry for this variant (Variation ID: 1057401). This variant has not been reported in the literature in individuals affected with PRX-related conditions. This variant is not present in population databases (gnomAD no frequency). This sequence change replaces serine, which is neutral and polar, with asparagine, which is neutral and polar, at codon 1423 of the PRX protein (p.Ser1423Asn).